The following is an entry in ClinVar:

ClinVar aggregate classification (germline): Uncertain significance (1 of 4 stars; one submission).

Submission:

Labcorp Genetics (formerly Invitae), Labcorp
Classification: Uncertain significance. Last evaluated: 2024-12-02. Review status: criteria provided, single submitter. Criteria: Invitae Variant Classification Sherloc (09022015). Collection method: clinical testing. Allele origin: germline.
Comment: This sequence change replaces isoleucine, which is neutral and non-polar, with valine, which is neutral and non-polar, at codon 1069 of the ZSWIM6 protein (p.Ile1069Val). This variant is not present in population databases (gnomAD no frequency). This variant has not been reported in the literature in individuals affected with ZSWIM6-related conditions. ClinVar contains an entry for this variant (Variation ID: 2124769). Invitae Evidence Modeling of protein sequence and biophysical properties (such as structural, functional, and spatial information, amino acid conservation, physicochemical variation, residue mobility, and thermodynamic stability) indicates that this missense variant is not expected to disrupt ZSWIM6 protein function with a negative predictive value of 80%. In summary, the available evidence is currently insufficient to determine the role of this variant in disease. Therefore, it has been classified as a Variant of Uncertain Significance.

NM_020928.2(ZSWIM6):c.3205A>G (p.Ile1069Val)

Gene: ZSWIM6 (zinc finger SWIM-type containing 6; plus strand). Cytogenetic location: 5q12.1.
Variant type: single nucleotide variant.
Coding change: c.3205A>G on transcript NM_020928.2 (MANE Select); coding-DNA position 3205, A replaced by G.
Protein change: p.Ile1069Val; replaces isoleucine 1069 with valine.
Molecular consequence: missense variant.
Genome position (GRCh38, 1-based): chr5:61,543,874, A>G. VCF-style: chr5-61543874-A-G. GRCh37 (hg19) VCF-style: chr5-60839701-A-G.
Other names: short protein forms I1069V.
Identifiers: ClinVar variation 2124769 (VCV002124769.4), dbSNP rs1264524553, ClinGen allele CA359947091.